The following is an entry in ClinVar:

NM_001144869.3(LIPT2):c.200C>G (p.Pro67Arg)

Genes: LIPT2 (lipoyl(octanoyl) transferase 2; minus strand), LIPT2-AS1 (LIPT2 antisense RNA 1; plus strand), LOC130006411 (ATAC-STARR-seq lymphoblastoid silent region 3753; plus strand). Cytogenetic location: 11q13.4.
Variant type: single nucleotide variant.
Coding change: c.200C>G on transcript NM_001144869.3 (MANE Select); coding-DNA position 200, C replaced by G.
Protein change: p.Pro67Arg; replaces proline 67 with arginine.
Molecular consequence: missense variant. On other transcripts: non-coding transcript variant (1).
Genome position (GRCh38, 1-based): chr11:74,493,504, G>C on the plus strand (C>G on the coding strand, the complement: LIPT2 is on the minus strand). VCF-style: chr11-74493504-G-C. GRCh37 (hg19) VCF-style: chr11-74204549-G-C.
Other names: c.200C>G, p.Pro67Arg (NM_001329941.2, NM_001329942.2); short protein forms P67R.
Identifiers: ClinVar variation 1991031 (VCV001991031.1), dbSNP rs1046467978, ClinGen allele CA224979321.

ClinVar aggregate classification (germline): Uncertain significance (1 of 4 stars; one submission).

Allele frequency attached by ClinVar (database versions not stated): gnomAD 0.00001; gnomAD exomes 0.00001; TOPMed 0.00002; 1000 Genomes Project 30x 0.00016.

Submission:

Labcorp Genetics (formerly Invitae), Labcorp
Classification: Uncertain significance. Last evaluated: 2022-06-09. Review status: criteria provided, single submitter. Criteria: Invitae Variant Classification Sherloc (09022015). Collection method: clinical testing. Allele origin: germline.
Comment: This sequence change replaces proline, which is neutral and non-polar, with arginine, which is basic and polar, at codon 67 of the LIPT2 protein (p.Pro67Arg). This variant is present in population databases (no rsID available, gnomAD 0.06%). This variant has not been reported in the literature in individuals affected with LIPT2-related conditions. Algorithms developed to predict the effect of missense changes on protein structure and function are either unavailable or do not agree on the potential impact of this missense change (SIFT: "Not Available"; PolyPhen-2: "Benign"; Align-GVGD: "Not Available"). In summary, the available evidence is currently insufficient to determine the role of this variant in disease. Therefore, it has been classified as a Variant of Uncertain Significance.